The following is an entry in ClinVar:

NM_004341.5(CAD):c.3925A>G (p.Lys1309Glu)

Gene: CAD (carbamoyl-phosphate synthetase 2, aspartate transcarbamylase, and dihydroorotase; plus strand). Cytogenetic location: 2p23.3.
Variant type: single nucleotide variant.
Coding change: c.3925A>G on transcript NM_004341.5 (MANE Select); coding-DNA position 3925, A replaced by G.
Protein change: p.Lys1309Glu; replaces lysine 1309 with glutamic acid.
Molecular consequence: missense variant.
Genome position (GRCh38, 1-based): chr2:27,235,383, A>G. VCF-style: chr2-27235383-A-G. GRCh37 (hg19) VCF-style: chr2-27458251-A-G.
Other names: c.3736A>G, p.Lys1246Glu (NM_001306079.2); short protein forms K1309E, K1246E.
Identifiers: ClinVar variation 2767818 (VCV002767818.3), dbSNP rs2465337399, ClinGen allele CA346217302.

ClinVar aggregate classification (germline): Uncertain significance (1 of 4 stars; one submission).

Submission:

Labcorp Genetics (formerly Invitae), Labcorp
Classification: Uncertain significance. Last evaluated: 2024-02-19. Review status: criteria provided, single submitter. Criteria: Invitae Variant Classification Sherloc (09022015). Collection method: clinical testing. Allele origin: germline.
Comment: This sequence change replaces lysine, which is basic and polar, with glutamic acid, which is acidic and polar, at codon 1309 of the CAD protein (p.Lys1309Glu). This variant is not present in population databases (gnomAD no frequency). This variant has not been reported in the literature in individuals affected with CAD-related conditions. Advanced modeling of protein sequence and biophysical properties (such as structural, functional, and spatial information, amino acid conservation, physicochemical variation, residue mobility, and thermodynamic stability) performed at Invitae indicates that this missense variant is not expected to disrupt CAD protein function with a negative predictive value of 80%. In summary, the available evidence is currently insufficient to determine the role of this variant in disease. Therefore, it has been classified as a Variant of Uncertain Significance.